The following is an entry in ClinVar:

NM_001040142.2(SCN2A):c.2939C>G (p.Ala980Gly)

Gene: SCN2A (sodium voltage-gated channel alpha subunit 2; plus strand). Cytogenetic location: 2q24.3.
Variant type: single nucleotide variant.
Coding change: c.2939C>G on transcript NM_001040142.2 (MANE Select); coding-DNA position 2939, C replaced by G.
Protein change: p.Ala980Gly; replaces alanine 980 with glycine.
Molecular consequence: missense variant.
Genome position (GRCh38, 1-based): chr2:165,354,211, C>G. VCF-style: chr2-165354211-C-G. GRCh37 (hg19) VCF-style: chr2-166210721-C-G.
Other names: c.2939C>G, p.Ala980Gly (NM_001040143.2, NM_001371246.1, NM_001371247.1 and 1 more transcripts); short protein forms A980G.
Identifiers: ClinVar variation 994949 (VCV000994949.4), dbSNP rs1700069190, ClinGen allele CA349019403.
Genomic context (GRCh38, chr2:165,354,211, plus strand): 5'-ATAGAATGTTTTGATCACCTGTTTTTCCTGCTGTGTTTCAGGTTCTGAACCTCTTCTTGG[C>G]CTTGCTTTTGAGTTCCTTCAGTTCTGACAATCTTGCTGCCACTGATGATGATAACGAAAT-3'
Protein context (NP_001035232.1, residues 970-990): GNLVVLNLFL[Ala980Gly]LLLSSFSSDN

ClinVar aggregate classification (germline): Conflicting classifications of pathogenicity. Review status: criteria provided, conflicting classifications (1 of 4 stars). 2 submissions from 2 submitters: Likely pathogenic (1); Uncertain significance (1). Last evaluated 2021-11-02.

Submissions (2):

GeneDx
Classification: Uncertain significance. Last evaluated: 2021-11-02. Review status: criteria provided, single submitter. Criteria: GeneDx Variant Classification Process June 2021. Collection method: clinical testing. Allele origin: germline. Affected: yes.
Comment: This substitution is predicted to be within the transmembrane segment S6 of the second homologous domain; Has not been previously published as pathogenic or benign to our knowledge; Missense variants in this gene are often considered pathogenic (Stenson et al., 2014); In silico analysis supports that this missense variant has a deleterious effect on protein structure/function; Not observed in large population cohorts (Lek et al., 2016)

Athena Diagnostics
Classification: Likely pathogenic. Last evaluated: 2020-08-11. Review status: criteria provided, single submitter. Criteria: Athena Diagnostics Criteria. Collection method: clinical testing. Allele origin: unknown.
Comment: Not found in the total gnomAD dataset, and the data is high quality. Predicted to have a damaging effect on the protein.